The following is an entry in ClinVar:

NM_001013838.3(CARMIL2):c.2986G>A (p.Ala996Thr)

Gene: CARMIL2 (capping protein regulator and myosin 1 linker 2; plus strand). Cytogenetic location: 16q22.1.
Variant type: single nucleotide variant.
Coding change: c.2986G>A on transcript NM_001013838.3 (MANE Select); coding-DNA position 2986, G replaced by A.
Protein change: p.Ala996Thr; replaces alanine 996 with threonine.
Molecular consequence: missense variant.
Genome position (GRCh38, 1-based): chr16:67,653,120, G>A. VCF-style: chr16-67653120-G-A. GRCh37 (hg19) VCF-style: chr16-67687023-G-A.
Other names: c.2878G>A, p.Ala960Thr (NM_001317026.3); c.2986G>A (NM_001013838.1); short protein forms A996T, A960T.
Identifiers: ClinVar variation 1498517 (VCV001498517.7), dbSNP rs1490872497, ClinGen allele CA396342962.
Genomic context (GRCh38, chr16:67,653,120, plus strand): 5'-CCGGGAGAAGATGCAGAGCCGCAGGCGGGGCCGTCCGCGCGCGGCTCTCCGAGCCCTGCC[G>A]CCCCTGGGCCCCCGGCCGGCCCGCTGCCCCGCATGGACCTGCCACTGGCGGGGCAGCCCC-3'
Protein context (NP_001013860.1, residues 986-1006): PSARGSPSPA[Ala996Thr]PGPPAGPLPR

ClinVar aggregate classification (germline): Uncertain significance. Review status: criteria provided, multiple submitters, no conflicts (2 of 4 stars). 2 submissions from 2 submitters: Uncertain significance (2). Last evaluated 2025-01-27.

Conditions:
Inborn genetic diseases. Identifiers: MedGen C0950123, MeSH D030342.

Allele frequency attached by ClinVar (database versions not stated): gnomAD exomes below 0.00001; gnomAD 0.00003 and 0.00004; TOPMed 0.00004.
gnomAD v4.1: 6 of 1,124,880 alleles (0.00053%); highest among the groups gnomAD compares: African/African-American, 0.0067%; no homozygotes.

Submissions (2):

Labcorp Genetics (formerly Invitae), Labcorp
Classification: Uncertain significance. Last evaluated: 2025-01-27. Review status: criteria provided, single submitter. Criteria: Invitae Variant Classification Sherloc (09022015). Collection method: clinical testing. Allele origin: germline.
Comment: This sequence change replaces alanine, which is neutral and non-polar, with threonine, which is neutral and polar, at codon 996 of the CARMIL2 protein (p.Ala996Thr). This variant is present in population databases (no rsID available, gnomAD 0.01%). This variant has not been reported in the literature in individuals affected with CARMIL2-related conditions. ClinVar contains an entry for this variant (Variation ID: 1498517). An algorithm developed to predict the effect of missense changes on protein structure and function outputs the following: PolyPhen-2: "Benign". The threonine amino acid residue is found in multiple mammalian species, which suggests that this missense change does not adversely affect protein function. In summary, the available evidence is currently insufficient to determine the role of this variant in disease. Therefore, it has been classified as a Variant of Uncertain Significance.

Ambry Genetics
Classification: Uncertain significance for Inborn genetic diseases. Last evaluated: 2021-09-17. Review status: criteria provided, single submitter. Criteria: Ambry Variant Classification Scheme 2023. Collection method: clinical testing. Allele origin: germline.